The following is an entry in ClinVar:

NM_198525.3(KIF7):c.3127T>G (p.Phe1043Val)

Gene: KIF7 (kinesin family member 7; minus strand). Cytogenetic location: 15q26.1.
Variant type: single nucleotide variant.
Coding change: c.3127T>G on transcript NM_198525.3 (MANE Select); coding-DNA position 3127, T replaced by G.
Protein change: p.Phe1043Val; replaces phenylalanine 1043 with valine.
Molecular consequence: missense variant.
Genome position (GRCh38, 1-based): chr15:89,630,478, A>C on the plus strand (T>G on the coding strand, the complement: KIF7 is on the minus strand). VCF-style: chr15-89630478-A-C. GRCh37 (hg19) VCF-style: chr15-90173709-A-C.
Other names: short protein forms F1043V.
Identifiers: ClinVar variation 856869 (VCV000856869.7), dbSNP rs1184688512, ClinGen allele CA393756242.

ClinVar aggregate classification (germline): Uncertain significance (1 of 4 stars; one submission).

Conditions:
Acrocallosal syndrome (ACLS). Also called: HALLUX DUPLICATION, POSTAXIAL POLYDACTYLY, AND ABSENCE OF CORPUS CALLOSUM; Schinzel syndrome 1; Absence of corpus callosum with unusual facial appearance, mental deficiency, duplication of the halluces and polydactyly. Identifiers: Orphanet 36, MedGen C0796147, MONDO:0008708, OMIM 200990.

Allele frequency attached by ClinVar (database versions not stated): TOPMed below 0.00001; gnomAD 0.00001; gnomAD exomes 0.00001 and 0.00002.
gnomAD v4.1: 17 of 1,549,066 alleles (0.0011%); highest among the groups gnomAD compares: Middle Eastern, 0.017%; no homozygotes.

Submission:

Labcorp Genetics (formerly Invitae), Labcorp
Classification: Uncertain significance for Acrocallosal syndrome. Last evaluated: 2019-12-15. Review status: criteria provided, single submitter. Criteria: Invitae Variant Classification Sherloc (09022015). Collection method: clinical testing. Allele origin: germline.
Comment: In summary, the available evidence is currently insufficient to determine the role of this variant in disease. Therefore, it has been classified as a Variant of Uncertain Significance. Algorithms developed to predict the effect of missense changes on protein structure and function (SIFT, PolyPhen-2, Align-GVGD) all suggest that this variant is likely to be disruptive, but these predictions have not been confirmed by published functional studies and their clinical significance is uncertain. This variant has not been reported in the literature in individuals with KIF7-related conditions. This variant is not present in population databases (ExAC no frequency). This sequence change replaces phenylalanine with valine at codon 1043 of the KIF7 protein (p.Phe1043Val). The phenylalanine residue is highly conserved and there is a small physicochemical difference between phenylalanine and valine.